The following is an entry in ClinVar:

ClinVar aggregate classification (germline): Uncertain significance (1 of 4 stars; one submission).

Allele frequency attached by ClinVar (database versions not stated): gnomAD exomes below 0.00001; gnomAD 0.00001; TOPMed 0.00001; ExAC 0.00002.

Submission:

Labcorp Genetics (formerly Invitae), Labcorp
Classification: Uncertain significance. Last evaluated: 2025-09-29. Review status: criteria provided, single submitter. Criteria: Invitae Variant Classification Sherloc (09022015). Collection method: clinical testing. Allele origin: germline.
Comment: This sequence change replaces alanine, which is neutral and non-polar, with valine, which is neutral and non-polar, at codon 50 of the GINS1 protein (p.Ala50Val). This variant is present in population databases (rs758261812, gnomAD 0.01%). This variant has not been reported in the literature in individuals affected with GINS1-related conditions. ClinVar contains an entry for this variant (Variation ID: 1923204). An algorithm developed to predict the effect of missense changes on protein structure and function outputs the following: PolyPhen-2: "Benign". The valine amino acid residue is found in multiple mammalian species, which suggests that this missense change does not adversely affect protein function. In summary, the available evidence is currently insufficient to determine the role of this variant in disease. Therefore, it has been classified as a Variant of Uncertain Significance.

NM_021067.5(GINS1):c.149C>T (p.Ala50Val)

Gene: GINS1 (GINS complex subunit 1; plus strand). Cytogenetic location: 20p11.21.
Variant type: single nucleotide variant.
Coding change: c.149C>T on transcript NM_021067.5 (MANE Select); coding-DNA position 149, C replaced by T.
Protein change: p.Ala50Val; replaces alanine 50 with valine.
Molecular consequence: missense variant. On other transcripts: non-coding transcript variant (1).
Genome position (GRCh38, 1-based): chr20:25,417,112, C>T. VCF-style: chr20-25417112-C-T. GRCh37 (hg19) VCF-style: chr20-25397748-C-T.
Other names: c.149C>T, p.Ala50Val (NM_001410830.1); short protein forms A50V.
Identifiers: ClinVar variation 1923204 (VCV001923204.5), dbSNP rs758261812, ClinGen allele CA9796442.